The following is an entry in ClinVar:

NM_145207.3(AFG2A):c.16A>G (p.Asn6Asp)

Gene: AFG2A (AAA ATPase AFG2A; plus strand). Cytogenetic location: 4q28.1.
Variant type: single nucleotide variant.
Coding change: c.16A>G on transcript NM_145207.3 (MANE Select); coding-DNA position 16, A replaced by G.
Protein change: p.Asn6Asp; replaces asparagine 6 with aspartic acid.
Molecular consequence: missense variant.
Genome position (GRCh38, 1-based): chr4:122,923,158, A>G. VCF-style: chr4-122923158-A-G. GRCh37 (hg19) VCF-style: chr4-123844313-A-G.
Other names: c.16A>G, p.Asn6Asp (NM_001317799.2, NM_001345856.2); short protein forms N6D.
Identifiers: ClinVar variation 940413 (VCV000940413.7), dbSNP rs751349548, ClinGen allele CA3070112.

ClinVar aggregate classification (germline): Uncertain significance. Review status: criteria provided, multiple submitters, no conflicts (2 of 4 stars). 4 submissions from 4 submitters: Uncertain significance (4). Last evaluated 2023-12-22.

Conditions:
Microcephaly-intellectual disability-sensorineural hearing loss-epilepsy-abnormal muscle tone syndrome (NEDHSB). Also called: NEURODEVELOPMENTAL DISORDER WITH HEARING LOSS, SEIZURES, AND BRAIN ABNORMALITIES. Identifiers: Orphanet 457351, MedGen C4225276, MONDO:0014698, OMIM 616577.
Inborn genetic diseases. Identifiers: MedGen C0950123, MeSH D030342.

Allele frequency attached by ClinVar (database versions not stated): TOPMed 0.00013; gnomAD 0.00015 and 0.00017; gnomAD exomes 0.00002 and 0.00004; ExAC 0.00004.
gnomAD v4.1: 57 of 1,614,188 alleles (0.0035%); highest among the groups gnomAD compares: African/African-American, 0.061%; no homozygotes.

Submissions (4):

ARUP Laboratories, Molecular Genetics and Genomics, ARUP Laboratories
Classification: Uncertain significance. Last evaluated: 2023-12-22. Review status: criteria provided, single submitter. Criteria: ARUP Molecular Germline Variant Investigation Process 2024. Collection method: clinical testing. Allele origin: germline.

Blueprint Genetics
Classification: Uncertain significance. Last evaluated: 2022-10-28. Review status: criteria provided, single submitter. Criteria: ACMG Guidelines, 2015. Collection method: clinical testing. Allele origin: germline.

Labcorp Genetics (formerly Invitae), Labcorp
Classification: Uncertain significance for Microcephaly-intellectual disability-sensorineural hearing loss-epilepsy-abnormal muscle tone syndrome. Last evaluated: 2022-10-13. Review status: criteria provided, single submitter. Criteria: Invitae Variant Classification Sherloc (09022015). Collection method: clinical testing. Allele origin: germline.
Comment: This sequence change replaces asparagine, which is neutral and polar, with aspartic acid, which is acidic and polar, at codon 6 of the SPATA5 protein (p.Asn6Asp). This variant is present in population databases (rs751349548, gnomAD 0.05%). This variant has not been reported in the literature in individuals affected with SPATA5-related conditions. ClinVar contains an entry for this variant (Variation ID: 940413). Algorithms developed to predict the effect of missense changes on protein structure and function (SIFT, PolyPhen-2, Align-GVGD) all suggest that this variant is likely to be tolerated. In summary, the available evidence is currently insufficient to determine the role of this variant in disease. Therefore, it has been classified as a Variant of Uncertain Significance.

Ambry Genetics
Classification: Uncertain significance for Inborn genetic diseases. Last evaluated: 2021-01-11. Review status: criteria provided, single submitter. Criteria: Ambry Variant Classification Scheme 2023. Collection method: clinical testing. Allele origin: germline.
Comment: The c.16A>G (p.N6D) alteration is located in exon 1 (coding exon 1) of the SPATA5 gene. This alteration results from a A to G substitution at nucleotide position 16, causing the asparagine (N) at amino acid position 6 to be replaced by an aspartic acid (D). The p.N6D alteration is predicted to be tolerated by in silico analysis. Based on insufficient or conflicting evidence, the clinical significance of this alteration remains unclear.